The following is an entry in ClinVar:

ClinVar aggregate classification (germline): Uncertain significance. Review status: criteria provided, multiple submitters, no conflicts (2 of 4 stars). 3 submissions from 3 submitters: Uncertain significance (3). Last evaluated 2025-08-22.

Conditions:
Frasier syndrome. Identifiers: Orphanet 347, MedGen C0950122, MeSH D052159, MONDO:0007635, OMIM 136680.
Drash syndrome (DDS). Also called: NEPHROPATHY, WILMS TUMOR, AND GENITAL ANOMALIES; WILMS TUMOR AND PSEUDO- OR TRUE HERMAPHRODITISM. Identifiers: Orphanet 220, MedGen C0950121, MONDO:0008682, OMIM 194080.
Wilms tumor 1 (WT1). Also called: Wilms tumor, somatic. Identifiers: Orphanet 654, MedGen CN033288, MONDO:0008679, OMIM 194070.
11p partial monosomy syndrome (WAGR). Also called: WAGR syndrome; WAGR Complex; CHROMOSOME 11p13 DELETION SYNDROME; WAGR Spectrum Disorder. Identifiers: Orphanet 893, MedGen C0206115, MONDO:0008681, OMIM 194072.
Inborn genetic diseases. Identifiers: MedGen C0950123, MeSH D030342.

Allele frequency attached by ClinVar (database versions not stated): gnomAD exomes below 0.00001; TOPMed 0.00001.

Submissions (3):

Ambry Genetics
Classification: Uncertain significance for Inborn genetic diseases. Last evaluated: 2025-08-22. Review status: criteria provided, single submitter. Criteria: Ambry Variant Classification Scheme 2023. Collection method: clinical testing. Allele origin: germline.
Comment: The p.P122S variant (also known as c.364C>T), located in coding exon 1 of the WT1 gene, results from a C to T substitution at nucleotide position 364. The proline at codon 122 is replaced by serine, an amino acid with similar properties. This amino acid position is conserved. In addition, this alteration is predicted to be tolerated by in silico analysis. Based on the available evidence, the clinical significance of this variant remains unclear.

GeneDx
Classification: Uncertain significance. Last evaluated: 2024-11-22. Review status: criteria provided, single submitter. Criteria: GeneDx Variant Classification Process June 2021. Collection method: clinical testing. Allele origin: germline. Affected: yes.
Comment: Not observed at significant frequency in large population cohorts (gnomAD); In silico analysis indicates that this missense variant does not alter protein structure/function; Has not been previously published as pathogenic or benign to our knowledge

Labcorp Genetics (formerly Invitae), Labcorp
Classification: Uncertain significance for Wilms tumor 1; Drash syndrome; 11p partial monosomy syndrome; Frasier syndrome. Last evaluated: 2023-08-15. Review status: criteria provided, single submitter. Criteria: Invitae Variant Classification Sherloc (09022015). Collection method: clinical testing. Allele origin: germline.
Comment: This variant has not been reported in the literature in individuals affected with WT1-related conditions. In summary, the available evidence is currently insufficient to determine the role of this variant in disease. Therefore, it has been classified as a Variant of Uncertain Significance. An algorithm developed to predict the effect of missense changes on protein structure and function (PolyPhen-2) suggests that this variant is likely to be tolerated. This variant is not present in population databases (gnomAD no frequency). This sequence change replaces proline, which is neutral and non-polar, with serine, which is neutral and polar, at codon 122 of the WT1 protein (p.Pro122Ser).

NM_024426.6(WT1):c.379C>T (p.Pro127Ser)

Genes: WT1 (WT1 transcription factor; minus strand), LOC107982234 (WT1/WT1-AS bi-directional promoter region; plus strand). Cytogenetic location: 11p13.
Variant type: single nucleotide variant.
Coding change: c.379C>T on transcript NM_024426.6 (MANE Select); coding-DNA position 379, C replaced by T.
Protein change: p.Pro127Ser; replaces proline 127 with serine.
Molecular consequence: missense variant. On other transcripts: non-coding transcript variant (2).
Genome position (GRCh38, 1-based): chr11:32,434,982, G>A on the plus strand (C>T on the coding strand, the complement: WT1 is on the minus strand). VCF-style: chr11-32434982-G-A. GRCh37 (hg19) VCF-style: chr11-32456528-G-A.
Other names: c.379C>T, p.Pro127Ser (NM_000378.6, NM_001407044.1, NM_001407045.1 and 6 more transcripts); c.364C>T, p.Pro122Ser (NM_024425.2); c.364C>T (NM_024426.4); short protein forms P122S, P127S.
Identifiers: ClinVar variation 2926704 (VCV002926704.5), dbSNP rs1554946578, ClinGen allele CA379965813.